The following is an entry in ClinVar:

NM_001103.4(ACTN2):c.1150_1215dup (p.Gly384_Lys405dup)

Gene: ACTN2 (actinin alpha 2; plus strand). Cytogenetic location: 1q43.
Variant type: Duplication.
Coding change: c.1150_1215dup on transcript NM_001103.4 (MANE Select); coding-DNA positions 1150 to 1215, 66 bases duplicated.
Protein change: p.Gly384_Lys405dup.
Molecular consequence: inframe insertion.
Genome position (GRCh38, 1-based): chr1:236,742,938-236,743,003, 66 bases duplicated. GRCh37 (hg19): chr1:236,906,238-236,906,303.
Other names: c.1150_1215dup, p.Gly384_Lys405dup (NM_001278343.2); c.526_591dup, p.Gly176_Lys197dup (NM_001278344.2).
Identifiers: ClinVar variation 1052492 (VCV001052492.9), dbSNP rs2102927362, ClinGen allele CA2499214574.

ClinVar aggregate classification (germline): Uncertain significance (1 of 4 stars; one submission).

Conditions:
Dilated cardiomyopathy 1AA (CMD1AA). Also called: Cardiomyopathy, dilated, 1AA, with or without LVNC; CARDIOMYOPATHY, DILATED, 1AA, WITH OR WITHOUT LEFT VENTRICULAR NONCOMPACTION; CARDIOMYOPATHY, FAMILIAL HYPERTROPHIC, 23, WITH OR WITHOUT LEFT VENTRICULAR NONCOMPACTION. Identifiers: Orphanet 154, MedGen C2677338, MONDO:0012808, OMIM 612158.
Primary familial hypertrophic cardiomyopathy (HCM). Identifiers: Orphanet 99739, MedGen C0949658, MeSH D024741, MONDO:0024573. Inheritance: Various modes of inheritance.

Submission:

Labcorp Genetics (formerly Invitae), Labcorp
Classification: Uncertain significance for Primary familial hypertrophic cardiomyopathy; Dilated cardiomyopathy 1AA. Last evaluated: 2020-03-03. Review status: criteria provided, single submitter. Criteria: Invitae Variant Classification Sherloc (09022015). Collection method: clinical testing. Allele origin: germline.
Comment: In summary, the available evidence is currently insufficient to determine the role of this variant in disease. Therefore, it has been classified as a Variant of Uncertain Significance. Experimental studies and prediction algorithms are not available or were not evaluated, and the functional significance of this variant is currently unknown. This variant has not been reported in the literature in individuals with ACTN2-related conditions. This variant is not present in population databases (ExAC no frequency). This variant, c.1150_1215dup, results in the insertion of 22 amino acid(s) to the ACTN2 protein (p.Gly384_Lys405dup), but otherwise preserves the integrity of the reading frame.